The following is an entry in ClinVar:

ClinVar aggregate classification (germline): Benign/Likely benign. Review status: criteria provided, multiple submitters, no conflicts (2 of 4 stars). 5 submissions from 4 submitters: Benign (4); Likely benign (1). Last evaluated 2026-01-14.

Conditions:
Schwartz-Jampel syndrome. Also called: Myotonic myopathy dwarfism chondrodystrophy and ocular and facial abnormalities. Identifiers: Orphanet 800, MedGen C0036391, MONDO:0009717.
Lethal Kniest-like syndrome (DDSH). Also called: Dyssegmental Dysplasia. Identifiers: Orphanet 1865, MedGen C1857100, MONDO:0009140, OMIM 224410.

Allele frequency attached by ClinVar (database versions not stated): ExAC 0.00091; 1000 Genomes Project 30x 0.00125; 1000 Genomes Project 0.00140; gnomAD 0.00024 and 0.00035; gnomAD exomes 0.00041 and 0.00089; TOPMed 0.00053.
gnomAD v4.1: 651 of 1,614,002 alleles (0.04%); highest among the groups gnomAD compares: East Asian, 1.2%; 4 homozygotes.

Submissions (5):

Labcorp Genetics (formerly Invitae), Labcorp
Classification: Benign. Last evaluated: 2026-01-14. Review status: criteria provided, single submitter. Criteria: Invitae Variant Classification Sherloc (09022015). Collection method: clinical testing. Allele origin: germline.

Blueprint Genetics
Classification: Likely benign. Last evaluated: 2024-09-23. Review status: criteria provided, single submitter. Criteria: ACMG Guidelines, 2015. Collection method: clinical testing. Allele origin: germline.

ARUP Laboratories, Molecular Genetics and Genomics, ARUP Laboratories
Classification: Benign. Last evaluated: 2021-11-30. Review status: criteria provided, single submitter. Criteria: ARUP Molecular Germline Variant Investigation Process 2021. Collection method: clinical testing. Allele origin: germline.

Illumina Laboratory Services, Illumina
Classification: Benign for Lethal Kniest-like syndrome. Last evaluated: 2018-01-12. Review status: criteria provided, single submitter. Criteria: ICSL Variant Classification Criteria 13 December 2019. Collection method: clinical testing. Allele origin: germline.
Comment: This variant was observed in the ICSL laboratory as part of a predisposition screen in an ostensibly healthy population. It had not been previously curated by ICSL or reported in the Human Gene Mutation Database (HGMD: prior to June 1st, 2018), and was therefore a candidate for classification through an automated scoring system. Utilizing variant allele frequency, disease prevalence and penetrance estimates, and inheritance mode, an automated score was calculated to assess if this variant is too frequent to cause the disease. Based on the score and internal cut-off values, a variant classified as benign is not then subjected to further curation. The score for this variant resulted in a classification of benign for this disease.

Illumina Laboratory Services, Illumina
Classification: Benign for Schwartz-Jampel syndrome type 1. Last evaluated: 2018-01-12. Review status: criteria provided, single submitter. Criteria: ICSL Variant Classification Criteria 13 December 2019. Collection method: clinical testing. Allele origin: germline.
Comment: the same text as in the submission from Illumina Laboratory Services, Illumina above.

NM_005529.7(HSPG2):c.468G>A (p.Ala156=)

Gene: HSPG2 (heparan sulfate proteoglycan 2; minus strand). Cytogenetic location: 1p36.12.
Variant type: single nucleotide variant.
Coding change: c.468G>A on transcript NM_005529.7 (MANE Select); coding-DNA position 468, G replaced by A.
Protein change: p.Ala156=; no amino-acid change (alanine 156 retained).
Molecular consequence: synonymous variant.
Genome position (GRCh38, 1-based): chr1:21,890,087, C>T on the plus strand (G>A on the coding strand, the complement: HSPG2 is on the minus strand). VCF-style: chr1-21890087-C-T. GRCh37 (hg19) VCF-style: chr1-22216580-C-T.
Other names: c.468G>A, p.Ala156= (NM_001291860.2).
Identifiers: ClinVar variation 295911 (VCV000295911.21), dbSNP rs113464689, ClinGen allele CA673866.
Genomic context (GRCh38, chr1:21,890,087, plus strand): 5'-GGAGGCCACAGAGCCGCTGGAGATGACCCTGAGCAGCATCTCCTGAATCTGAGCCCCATC[C>T]GCATTCCCTTCCGAGCCCACATCCAGCTCCACAAAAACCCAGCCATCCAGCTCCCTGGGG-3'
Protein context (NP_005520.4, residues 146-166): VELDVGSEGN[Ala156=]DGAQIQEMLL